The following is an entry in ClinVar:

NM_001243279.3(ACSF3):c.1343C>G (p.Thr448Ser)

Gene: ACSF3 (acyl-CoA synthetase family member 3; plus strand). Cytogenetic location: 16q24.3.
Variant type: single nucleotide variant.
Coding change: c.1343C>G on transcript NM_001243279.3 (MANE Select); coding-DNA position 1343, C replaced by G.
Protein change: p.Thr448Ser; replaces threonine 448 with serine.
Molecular consequence: missense variant. On other transcripts: non-coding transcript variant (3).
Genome position (GRCh38, 1-based): chr16:89,133,239, C>G. VCF-style: chr16-89133239-C-G. GRCh37 (hg19) VCF-style: chr16-89199647-C-G.
Other names: c.1343C>G, p.Thr448Ser (NM_001127214.4, NM_174917.5); c.548C>G, p.Thr183Ser (NM_001284316.2); c.1343C>G (NM_174917.3); short protein forms T183S, T448S.
Identifiers: ClinVar variation 1413160 (VCV001413160.6), dbSNP rs554194567, ClinGen allele CA8238108.

ClinVar aggregate classification (germline): Uncertain significance. Review status: criteria provided, multiple submitters, no conflicts (2 of 4 stars). 2 submissions from 2 submitters: Uncertain significance (2). Last evaluated 2024-09-30.

Conditions:
Inborn genetic diseases. Identifiers: MedGen C0950123, MeSH D030342.
Combined malonic and methylmalonic acidemia. Identifiers: Orphanet 289504, MedGen C3280314, MONDO:0013661, OMIM 614265.

Allele frequency attached by ClinVar (database versions not stated): ExAC 0.00001; gnomAD exomes 0.00001.
gnomAD v4.1: 9 of 1,614,024 alleles (0.00056%); highest among the groups gnomAD compares: Admixed American, 0.0017%; no homozygotes.

Submissions (2):

Ambry Genetics
Classification: Uncertain significance for Inborn genetic diseases. Last evaluated: 2024-09-30. Review status: criteria provided, single submitter. Criteria: Ambry Variant Classification Scheme 2023. Collection method: clinical testing. Allele origin: germline.

Labcorp Genetics (formerly Invitae), Labcorp
Classification: Uncertain significance for Combined malonic and methylmalonic acidemia. Last evaluated: 2022-03-02. Review status: criteria provided, single submitter. Criteria: Invitae Variant Classification Sherloc (09022015). Collection method: clinical testing. Allele origin: germline.
Comment: This sequence change replaces threonine, which is neutral and polar, with serine, which is neutral and polar, at codon 448 of the ACSF3 protein (p.Thr448Ser). This variant is present in population databases (rs554194567, gnomAD 0.003%). This variant has not been reported in the literature in individuals affected with ACSF3-related conditions. Algorithms developed to predict the effect of missense changes on protein structure and function are either unavailable or do not agree on the potential impact of this missense change (SIFT: "Tolerated"; PolyPhen-2: "Probably Damaging"; Align-GVGD: "Class C0"). In summary, the available evidence is currently insufficient to determine the role of this variant in disease. Therefore, it has been classified as a Variant of Uncertain Significance.